The following is an entry in ClinVar:

NM_003334.4(UBA1):c.430G>A (p.Val144Ile)

Gene: UBA1 (ubiquitin like modifier activating enzyme 1; plus strand). Cytogenetic location: Xp11.3.
Variant type: single nucleotide variant.
Coding change: c.430G>A on transcript NM_003334.4 (MANE Select); coding-DNA position 430, G replaced by A.
Protein change: p.Val144Ile; replaces valine 144 with isoleucine.
Molecular consequence: missense variant.
Genome position (GRCh38, 1-based): chrX:47,199,564, G>A. VCF-style: chrX-47199564-G-A. GRCh37 (hg19) VCF-style: chrX-47058963-G-A.
Other names: c.430G>A, p.Val144Ile (NM_153280.3); short protein forms V144I.
Identifiers: ClinVar variation 368329 (VCV000368329.13), dbSNP rs781887272, ClinGen allele CA10395675.
Genomic context (GRCh38, chrX:47,199,564, plus strand): 5'-GGTAAAAACCGGGCCGAGGTATCACAGCCCCGCCTCGCTGAGCTCAACAGCTATGTGCCT[G>A]TCACTGCCTACACTGGACCCCTCGTTGAGGACTTCCTTAGTGGTTTCCAGGTATCTTGGG-3'
Protein context (NP_003325.2, residues 134-154): RLAELNSYVP[Val144Ile]TAYTGPLVED

ClinVar aggregate classification (germline): Benign. Review status: criteria provided, multiple submitters, no conflicts (2 of 4 stars). 2 submissions from 2 submitters: Benign (2). Last evaluated 2025-11-24.

Conditions:
Infantile-onset X-linked spinal muscular atrophy. Also called: Spinal muscular atrophy, X-linked 2; AMC, DISTAL, X-LINKED; ARTHROGRYPOSIS, X-LINKED, TYPE I; SPINAL MUSCULAR ATROPHY, X-LINKED LETHAL INFANTILE; Spinal Muscular Atrophy, X-Linked Infantile. Identifiers: Orphanet 1145, MedGen C1844934, MONDO:0010532, OMIM 301830.

Allele frequency attached by ClinVar (database versions not stated): gnomAD below 0.00001 and 0.00006; TOPMed 0.00002; gnomAD exomes 0.00006 and 0.00014; ExAC 0.00018; 1000 Genomes Project 0.00079; 1000 Genomes Project 30x 0.00083.

Submissions (2):

Labcorp Genetics (formerly Invitae), Labcorp
Classification: Benign for Infantile-onset X-linked spinal muscular atrophy. Last evaluated: 2025-11-24. Review status: criteria provided, single submitter. Criteria: Invitae Variant Classification Sherloc (09022015). Collection method: clinical testing. Allele origin: germline.

Illumina Laboratory Services, Illumina
Classification: Benign for Infantile-onset X-linked spinal muscular atrophy. Last evaluated: 2018-01-13. Review status: criteria provided, single submitter. Criteria: ICSL Variant Classification Criteria 13 December 2019. Collection method: clinical testing. Allele origin: germline.
Comment: This variant was observed in the ICSL laboratory as part of a predisposition screen in an ostensibly healthy population. It had not been previously curated by ICSL or reported in the Human Gene Mutation Database (HGMD: prior to June 1st, 2018), and was therefore a candidate for classification through an automated scoring system. Utilizing variant allele frequency, disease prevalence and penetrance estimates, and inheritance mode, an automated score was calculated to assess if this variant is too frequent to cause the disease. Based on the score and internal cut-off values, a variant classified as benign is not then subjected to further curation. The score for this variant resulted in a classification of benign for this disease.